The following is an entry in ClinVar:

ClinVar aggregate classification (germline): Conflicting classifications of pathogenicity. Review status: criteria provided, conflicting classifications (1 of 4 stars). 2 submissions from 2 submitters: Uncertain significance (1); Likely benign (1). Last evaluated 2024-07-01.

Allele frequency attached by ClinVar (database versions not stated): TOPMed 0.00012; ESP Exome Variant Server 0.00025; 1000 Genomes Project 30x 0.00031; ExAC 0.00039.
gnomAD v4.1: 238 of 1,571,738 alleles (0.015%); highest among the groups gnomAD compares: Non-Finnish European, 0.019%; no homozygotes.

Submissions (2):

CeGaT Center for Human Genetics Tuebingen
Classification: Likely benign. Last evaluated: 2024-07-01. Review status: criteria provided, single submitter. Criteria: CeGaT Center For Human Genetics Tuebingen Variant Classification Criteria Version 2. Collection method: clinical testing. Allele origin: germline. Affected: yes. Observed: 1 variant allele.
Comment: BICRA: BS2

Ambry Genetics
Classification: Uncertain significance. Last evaluated: 2023-03-14. Review status: criteria provided, single submitter. Criteria: Ambry Variant Classification Scheme 2023. Collection method: clinical testing. Allele origin: germline.

NM_001394372.1(BICRA):c.2152G>A (p.Val718Met)

Gene: BICRA (BRD4 interacting chromatin remodeling complex associated protein; plus strand). Cytogenetic location: 19q13.33.
Variant type: single nucleotide variant.
Coding change: c.2152G>A on transcript NM_001394372.1 (MANE Select); coding-DNA position 2152, G replaced by A.
Protein change: p.Val718Met; replaces valine 718 with methionine.
Molecular consequence: missense variant.
Genome position (GRCh38, 1-based): chr19:47,682,021, G>A. VCF-style: chr19-47682021-G-A. GRCh37 (hg19) VCF-style: chr19-48185278-G-A.
Other names: c.2152G>A, p.Val718Met (NM_015711.3); short protein forms V718M.
Identifiers: ClinVar variation 2456227 (VCV002456227.19), dbSNP rs377108443, ClinGen allele CA9541849.